The following is an entry in ClinVar:

ClinVar aggregate classification (germline): Benign/Likely benign. Review status: criteria provided, multiple submitters, no conflicts (2 of 4 stars). 4 submissions from 4 submitters: Benign (1); Likely benign (3). Last evaluated 2026-01-20.

Conditions:
Hereditary cancer-predisposing syndrome. Also called: Hereditary neoplastic syndrome; Tumor predisposition; Neoplastic Syndromes, Hereditary; Hereditary Cancer Syndrome. Identifiers: Orphanet 140162, MedGen C0027672, MeSH D009386, MONDO:0015356.
Familial thoracic aortic aneurysm and aortic dissection (TAAD). Also called: Thoracic aortic aneurysms and dissections. Identifiers: Orphanet 91387, MedGen C4707243, MONDO:0019625.
Juvenile polyposis syndrome (JPS). Identifiers: Orphanet 2929, MedGen C0345893, MONDO:0017380, OMIM 174900.
Juvenile polyposis/hereditary hemorrhagic telangiectasia syndrome (JPHT). Also called: Juvenile Polyposis Syndrome / Hereditary Hemorrhagic Telangiectasia (JPS/HHT); JP/HHT SYNDROME; JUVENILE POLYPOSIS WITH HEREDITARY HEMORRHAGIC TELANGIECTASIA; POLYPOSIS, GENERALIZED JUVENILE, WITH PULMONARY ARTERIOVENOUS MALFORMATION; TELANGIECTASIA, HEREDITARY HEMORRHAGIC, WITH JUVENILE POLYPOSIS COLI. Identifiers: Orphanet 2929, MedGen C1832942, MONDO:0008278, OMIM 175050.

Allele frequency attached by ClinVar (database versions not stated): gnomAD exomes 0.00001; TOPMed 0.00001; ESP Exome Variant Server 0.00008.
gnomAD v4.1: 7 of 1,614,136 alleles (0.00043%); highest among the groups gnomAD compares: Non-Finnish European, 0.00059%; no homozygotes.

Submissions (4):

Labcorp Genetics (formerly Invitae), Labcorp
Classification: Likely benign for Juvenile polyposis syndrome. Last evaluated: 2026-01-20. Review status: criteria provided, single submitter. Criteria: Invitae Variant Classification Sherloc (09022015). Collection method: clinical testing. Allele origin: germline.

Myriad Genetics, Inc.
Classification: Benign for Juvenile polyposis/hereditary hemorrhagic telangiectasia syndrome. Last evaluated: 2025-03-19. Review status: criteria provided, single submitter. Criteria: Myriad Autosomal Dominant, Autosomal Recessive and X-Linked Classification Criteria (2023). Collection method: clinical testing. Allele origin: unknown.
Comment: This variant is considered benign. This variant is a silent/synonymous amino acid change and it is not expected to impact splicing.

Ambry Genetics
Classification: Likely benign for Hereditary cancer-predisposing syndrome; Familial thoracic aortic aneurysm and aortic dissection. Last evaluated: 2019-12-23. Review status: criteria provided, single submitter. Criteria: Ambry Variant Classification Scheme 2023. Collection method: clinical testing. Allele origin: germline.

GeneDx
Classification: Likely benign. Last evaluated: 2017-02-27. Review status: criteria provided, single submitter. Criteria: GeneDx Variant Classification (06012015). Collection method: clinical testing. Allele origin: germline. Affected: yes.
Comment: This variant is considered likely benign or benign based on one or more of the following criteria: it is a conservative change, it occurs at a poorly conserved position in the protein, it is predicted to be benign by multiple in silico algorithms, and/or has population frequency not consistent with disease.

NM_005359.6(SMAD4):c.699T>C (p.His233=)

Gene: SMAD4 (SMAD family member 4; plus strand). Cytogenetic location: 18q21.2.
Variant type: single nucleotide variant.
Coding change: c.699T>C on transcript NM_005359.6 (MANE Select); coding-DNA position 699, T replaced by C.
Protein change: p.His233=; no amino-acid change (histidine 233 retained).
Molecular consequence: synonymous variant.
Genome position (GRCh38, 1-based): chr18:51,058,156, T>C. VCF-style: chr18-51058156-T-C. GRCh37 (hg19) VCF-style: chr18-48584526-T-C.
Identifiers: ClinVar variation 507641 (VCV000507641.15), dbSNP rs367964910, ClinGen allele CA300086307.